The following is an entry in ClinVar:

ClinVar aggregate classification (germline): Likely benign. Review status: criteria provided, multiple submitters, no conflicts (2 of 4 stars). 3 submissions from 3 submitters: Likely benign (3). Last evaluated 2025-11-17.

Conditions:
Hypertrophic cardiomyopathy. Also called: HYPERTROPHIC MYOCARDIOPATHY. Identifiers: Orphanet 217569, MedGen C0007194, MeSH D002312, MONDO:0005045, HP:0001639.
Cardiovascular phenotype. Identifiers: MedGen CN230736.

Allele frequency attached by ClinVar (database versions not stated): gnomAD 0.00001; ExAC 0.00002.
gnomAD v4.1: 9 of 1,602,306 alleles (0.00056%); highest among the groups gnomAD compares: South Asian, 0.01%; no homozygotes.

Submissions (3):

Labcorp Genetics (formerly Invitae), Labcorp
Classification: Likely benign for Hypertrophic cardiomyopathy. Last evaluated: 2025-11-17. Review status: criteria provided, single submitter. Criteria: Invitae Variant Classification Sherloc (09022015). Collection method: clinical testing. Allele origin: germline.

Mayo Clinic Laboratories, Mayo Clinic
Classification: Likely benign. Last evaluated: 2025-06-05. Review status: criteria provided, single submitter. Criteria: ACMG Guidelines, 2015. Collection method: clinical testing. Allele origin: germline. Observed: 1 variant allele.
Comment: BP4, BP7, PM2_supporting

Ambry Genetics
Classification: Likely benign for Cardiovascular phenotype. Last evaluated: 2023-11-27. Review status: criteria provided, single submitter. Criteria: Ambry Variant Classification Scheme 2023. Collection method: clinical testing. Allele origin: germline.

NM_000256.3(MYBPC3):c.3327C>A (p.Thr1109=)

Gene: MYBPC3 (myosin binding protein C3; minus strand). Cytogenetic location: 11p11.2.
Variant type: single nucleotide variant.
Coding change: c.3327C>A on transcript NM_000256.3 (MANE Select); coding-DNA position 3327, C replaced by A.
Protein change: p.Thr1109=; no amino-acid change (threonine 1109 retained).
Molecular consequence: synonymous variant.
Genome position (GRCh38, 1-based): chr11:47,333,197, G>T on the plus strand (C>A on the coding strand, the complement: MYBPC3 is on the minus strand). VCF-style: chr11-47333197-G-T. GRCh37 (hg19) VCF-style: chr11-47354748-G-T.
Other names: p.Thr1109=.
Identifiers: ClinVar variation 3230886 (VCV003230886.3), dbSNP rs777087155, ClinGen allele CA079291.